The following is an entry in ClinVar:

ClinVar aggregate classification (germline): Uncertain significance. Review status: criteria provided, multiple submitters, no conflicts (2 of 4 stars). 2 submissions from 2 submitters: Uncertain significance (2). Last evaluated 2024-03-30.

Conditions:
Inborn genetic diseases. Identifiers: MedGen C0950123, MeSH D030342.

Allele frequency attached by ClinVar (database versions not stated): gnomAD exomes below 0.00001.
gnomAD v4.1: 3 of 1,560,350 alleles (0.00019%); highest among the groups gnomAD compares: Admixed American, 0.0033%; no homozygotes.

Submissions (2):

Ambry Genetics
Classification: Uncertain significance for Inborn genetic diseases. Last evaluated: 2024-03-30. Review status: criteria provided, single submitter. Criteria: Ambry Variant Classification Scheme 2023. Collection method: clinical testing. Allele origin: germline.

Labcorp Genetics (formerly Invitae), Labcorp
Classification: Uncertain significance. Last evaluated: 2022-07-31. Review status: criteria provided, single submitter. Criteria: Invitae Variant Classification Sherloc (09022015). Collection method: clinical testing. Allele origin: germline.
Comment: In summary, the available evidence is currently insufficient to determine the role of this variant in disease. Therefore, it has been classified as a Variant of Uncertain Significance. Algorithms developed to predict the effect of missense changes on protein structure and function are either unavailable or do not agree on the potential impact of this missense change (SIFT: "Deleterious"; PolyPhen-2: "Benign"; Align-GVGD: "Class C25"). This variant has not been reported in the literature in individuals affected with FARSB-related conditions. This variant is present in population databases (no rsID available, gnomAD 0.003%). This sequence change replaces isoleucine, which is neutral and non-polar, with valine, which is neutral and non-polar, at codon 244 of the FARSB protein (p.Ile244Val).

NM_005687.5(FARSB):c.730A>G (p.Ile244Val)

Gene: FARSB (phenylalanyl-tRNA synthetase subunit beta; minus strand). Cytogenetic location: 2q36.1.
Variant type: single nucleotide variant.
Coding change: c.730A>G on transcript NM_005687.5 (MANE Select); coding-DNA position 730, A replaced by G.
Protein change: p.Ile244Val; replaces isoleucine 244 with valine.
Molecular consequence: missense variant. On other transcripts: non-coding transcript variant (1).
Genome position (GRCh38, 1-based): chr2:222,631,660, T>C on the plus strand (A>G on the coding strand, the complement: FARSB is on the minus strand). VCF-style: chr2-222631660-T-C. GRCh37 (hg19) VCF-style: chr2-223496379-T-C.
Other names: c.730A>G (NM_005687.3); short protein forms I244V.
Identifiers: ClinVar variation 1993069 (VCV001993069.5), dbSNP rs1410927984, ClinGen allele CA350814464.